The following is an entry in ClinVar:

ClinVar aggregate classification (germline): Likely pathogenic (1 of 4 stars; one submission).

Allele frequency attached by ClinVar (database versions not stated): gnomAD exomes below 0.00001; gnomAD 0.00001.
gnomAD v4.1: 4 of 1,597,726 alleles (0.00025%); highest among the groups gnomAD compares: Non-Finnish European, 0.00034%; no homozygotes.

Submission:

Labcorp Genetics (formerly Invitae), Labcorp
Classification: Likely pathogenic. Last evaluated: 2022-10-03. Review status: criteria provided, single submitter. Criteria: Invitae Variant Classification Sherloc (09022015). Collection method: clinical testing. Allele origin: germline.
Comment: Algorithms developed to predict the effect of sequence changes on RNA splicing suggest that this variant may disrupt the consensus splice site. In summary, the currently available evidence indicates that the variant is pathogenic, but additional data are needed to prove that conclusively. Therefore, this variant has been classified as Likely Pathogenic. This sequence change affects a donor splice site in intron 37 of the MYO18B gene. It is expected to disrupt RNA splicing. Variants that disrupt the donor or acceptor splice site typically lead to a loss of protein function (PMID: 16199547), and loss-of-function variants in MYO18B are known to be pathogenic (PMID: 25748484, 32184166, 32637634). This variant is present in population databases (no rsID available, gnomAD 0.0009%). This variant has not been reported in the literature in individuals affected with MYO18B-related conditions.

Literature cited by the submitters: PubMed 16199547; PubMed 25748484; PubMed 32184166; PubMed 32637634.

NM_032608.7(MYO18B):c.5832+1G>A

Gene: MYO18B (myosin XVIIIB; plus strand). Cytogenetic location: 22q12.1.
Variant type: single nucleotide variant.
Coding change: c.5832+1G>A on transcript NM_032608.7 (MANE Select); the canonical splice donor site of the intron after coding-DNA position 5832, G replaced by A.
Molecular consequence: splice donor variant.
Genome position (GRCh38, 1-based): chr22:25,950,451, G>A. VCF-style: chr22-25950451-G-A. GRCh37 (hg19) VCF-style: chr22-26346417-G-A.
Other names: c.5835+1G>A (NM_001318245.2).
Identifiers: ClinVar variation 1938970 (VCV001938970.5), dbSNP rs1467473320, ClinGen allele CA411008541.
Genomic context (GRCh38, chr22:25,950,451, plus strand): 5'-CAAGAACTGCAGCTGCAGCTGGAGGAAGCCAAGAAGGAGAAGCACAAGCTACAAGAACAA[G>A]TATGTGCTCAGAGCCATCCTATAGTTGTATTAGTCAGGGTTTTCTTAGAGGGACAGAACT-3'